The following is an entry in ClinVar:

ClinVar aggregate classification (germline): Uncertain significance (1 of 4 stars; one submission).

Conditions:
Proteosome-associated autoinflammatory syndrome. Also called: Proteasome-associated autoinflammatory syndrome. Identifiers: Orphanet 324977, MedGen C1850568, MONDO:0009726.

Submission:

Labcorp Genetics (formerly Invitae), Labcorp
Classification: Uncertain significance for Proteosome-associated autoinflammatory syndrome. Last evaluated: 2023-12-26. Review status: criteria provided, single submitter. Criteria: Invitae Variant Classification Sherloc (09022015). Collection method: clinical testing. Allele origin: germline.
Comment: This sequence change replaces serine, which is neutral and polar, with tyrosine, which is neutral and polar, at codon 96 of the PSMB8 protein (p.Ser96Tyr). This variant is not present in population databases (gnomAD no frequency). This variant has not been reported in the literature in individuals affected with PSMB8-related conditions. Advanced modeling of protein sequence and biophysical properties (such as structural, functional, and spatial information, amino acid conservation, physicochemical variation, residue mobility, and thermodynamic stability) performed at Invitae indicates that this missense variant is not expected to disrupt PSMB8 protein function with a negative predictive value of 80%. Algorithms developed to predict the effect of sequence changes on RNA splicing suggest that this variant may create or strengthen a splice site. In summary, the available evidence is currently insufficient to determine the role of this variant in disease. Therefore, it has been classified as a Variant of Uncertain Significance.

NM_148919.4(PSMB8):c.287C>A (p.Ser96Tyr)

Gene: PSMB8 (proteasome 20S subunit beta 8; minus strand). Cytogenetic location: 6p21.32.
Variant type: single nucleotide variant.
Coding change: c.287C>A on transcript NM_148919.4 (MANE Select); coding-DNA position 287, C replaced by A.
Protein change: p.Ser96Tyr; replaces serine 96 with tyrosine.
Molecular consequence: missense variant.
Genome position (GRCh38, 1-based): chr6:32,842,950, G>T on the plus strand (C>A on the coding strand, the complement: PSMB8 is on the minus strand). VCF-style: chr6-32842950-G-T. GRCh37 (hg19) VCF-style: chr6-32810727-G-T.
Other names: c.275C>A, p.Ser92Tyr (NM_004159.5); short protein forms S92Y, S96Y.
Identifiers: ClinVar variation 2699550 (VCV002699550.3), dbSNP rs376941697, ClinGen allele CA137008041.